The following is an entry in ClinVar:

NM_012193.4(FZD4):c.502C>T (p.Pro168Ser)

Genes: PRSS23 (serine protease 23; plus strand), FZD4 (frizzled class receptor 4; minus strand). Cytogenetic location: 11q14.2.
Variant type: single nucleotide variant.
Coding change: c.502C>T on transcript NM_012193.4 (MANE Select); coding-DNA position 502, C replaced by T.
Protein change: p.Pro168Ser; replaces proline 168 with serine.
Molecular consequence: missense variant. On other transcripts: non-coding transcript variant (2).
Genome position (GRCh38, 1-based): chr11:86,952,254, G>A on the plus strand (C>T on the coding strand, the complement: FZD4 is on the minus strand). VCF-style: chr11-86952254-G-A. GRCh37 (hg19) VCF-style: chr11-86663296-G-A.
Other names: short protein forms P168S.
Identifiers: ClinVar variation 306407 (VCV000306407.20), dbSNP rs61735303, ClinGen allele CA6218451.

ClinVar aggregate classification (germline): Benign. Review status: criteria provided, multiple submitters, no conflicts (2 of 4 stars). 5 submissions from 5 submitters: Benign (5). Last evaluated 2026-02-01.

Conditions:
Exudative vitreoretinopathy 1 (EVR1). Also called: CRISWICK-SCHEPENS SYNDROME; FEVR, AUTOSOMAL DOMINANT; Familial exudative vitreoretinopathy, autosomal dominant. Identifiers: Orphanet 891, Orphanet 90050, MedGen C1851402, MONDO:0007589, OMIM 133780.

Allele frequency attached by ClinVar (database versions not stated): gnomAD 0.01408 and 0.01432; 1000 Genomes Project 30x 0.01421; 1000 Genomes Project 0.01478; ESP Exome Variant Server 0.01485; TOPMed 0.01615; ExAC 0.01663; gnomAD exomes 0.01839 and 0.01887.
gnomAD v4.1: 29,630 of 1,614,150 alleles (1.8%); highest among the groups gnomAD compares: Admixed American, 3.8%; 353 homozygotes.

Submissions (5):

Labcorp Genetics (formerly Invitae), Labcorp
Classification: Benign. Last evaluated: 2026-02-01. Review status: criteria provided, single submitter. Criteria: Invitae Variant Classification Sherloc (09022015). Collection method: clinical testing. Allele origin: germline.

Illumina Laboratory Services, Illumina
Classification: Benign for Exudative vitreoretinopathy 1. Last evaluated: 2018-01-12. Review status: criteria provided, single submitter. Criteria: ICSL Variant Classification Criteria 13 December 2019. Collection method: clinical testing. Allele origin: germline.
Comment: This variant was observed in the ICSL laboratory as part of a predisposition screen in an ostensibly healthy population. It had not been previously curated by ICSL or reported in the Human Gene Mutation Database (HGMD: prior to June 1st, 2018), and was therefore a candidate for classification through an automated scoring system. Utilizing variant allele frequency, disease prevalence and penetrance estimates, and inheritance mode, an automated score was calculated to assess if this variant is too frequent to cause the disease. Based on the score and internal cut-off values, a variant classified as benign is not then subjected to further curation. The score for this variant resulted in a classification of benign for this disease.

Laboratory for Molecular Medicine, Mass General Brigham Personalized Medicine
Classification: Benign. Last evaluated: 2016-03-29. Review status: criteria provided, single submitter. Criteria: LMM Criteria. Collection method: clinical testing. Allele origin: germline.
Comment: Variant identified in a genome or exome case(s) and assessed due to predicted null impact of the variant or pathogenic assertions in the literature or databases. Disclaimer: This variant has not undergone full assessment. The following are preliminary notes: Frequency

GeneDx
Classification: Benign. Last evaluated: 2015-03-03. Review status: criteria provided, single submitter. Criteria: GeneDx Variant Classification Process June 2021. Collection method: clinical testing. Allele origin: germline. Affected: yes.
Comment: This variant is associated with the following publications: (PMID: 15223780, 31114654, 28982955)

Breakthrough Genomics
Classification: Benign. Review status: criteria provided, single submitter. Criteria: ACMG Guidelines, 2015. Collection method: not provided. Allele origin: germline. Inheritance: Autosomal dominant inheritance. Affected: yes.